The following is an entry in ClinVar:

NM_030930.4(UNC93B1):c.1594C>A (p.Pro532Thr)

Gene: UNC93B1 (unc-93B1 regulator of TLR signaling; minus strand). Cytogenetic location: 11q13.2.
Variant type: single nucleotide variant.
Coding change: c.1594C>A on transcript NM_030930.4 (MANE Select); coding-DNA position 1594, C replaced by A.
Protein change: p.Pro532Thr; replaces proline 532 with threonine.
Molecular consequence: missense variant.
Genome position (GRCh38, 1-based): chr11:67,991,746, G>T on the plus strand (C>A on the coding strand, the complement: UNC93B1 is on the minus strand). VCF-style: chr11-67991746-G-T. GRCh37 (hg19) VCF-style: chr11-67759217-G-T.
Other names: short protein forms P532T.
Identifiers: ClinVar variation 470492 (VCV000470492.9), dbSNP rs543443741, ClinGen allele CA6145355.

ClinVar aggregate classification (germline): Uncertain significance (1 of 4 stars; one submission).

Conditions:
Encephalopathy, acute, infection-induced (herpes-specific), susceptibility to, 1. Also called: Herpes simplex encephalitis, susceptibility to, 1. Identifiers: Orphanet 1930, MedGen C2750180, MONDO:0024563, OMIM 610551.

Allele frequency attached by ClinVar (database versions not stated): TOPMed 0.00009; gnomAD 0.00011 and 0.00009; gnomAD exomes 0.00024 and 0.00010; ExAC 0.00105; 1000 Genomes Project 30x 0.00016; 1000 Genomes Project 0.00040.
gnomAD v4.1: 171 of 1,538,928 alleles (0.011%); highest among the groups gnomAD compares: South Asian, 0.066%; no homozygotes.

Submission:

Labcorp Genetics (formerly Invitae), Labcorp
Classification: Uncertain significance for Encephalopathy, acute, infection-induced (herpes-specific), susceptibility to, 1. Last evaluated: 2022-09-12. Review status: criteria provided, single submitter. Criteria: Invitae Variant Classification Sherloc (09022015). Collection method: clinical testing. Allele origin: germline.
Comment: This sequence change replaces proline, which is neutral and non-polar, with threonine, which is neutral and polar, at codon 532 of the UNC93B1 protein (p.Pro532Thr). This variant is present in population databases (rs543443741, gnomAD 0.1%). This variant has not been reported in the literature in individuals affected with UNC93B1-related conditions. ClinVar contains an entry for this variant (Variation ID: 470492). Experimental studies and prediction algorithms are not available or were not evaluated, and the functional significance of this variant is currently unknown. In summary, the available evidence is currently insufficient to determine the role of this variant in disease. Therefore, it has been classified as a Variant of Uncertain Significance.